The following is an entry in ClinVar:

ClinVar aggregate classification (germline): Uncertain significance (1 of 4 stars; one submission).

Conditions:
Autosomal recessive limb-girdle muscular dystrophy type R18 (LGMDR18). Also called: Limb-girdle muscular dystrophy, type 2S; MUSCULAR DYSTROPHY, LIMB-GIRDLE, AUTOSOMAL RECESSIVE 18; Autosomal recessive limb-girdle muscular dystrophy type 2S. Identifiers: Orphanet 369840, MedGen C4517996, MONDO:0014144, OMIM 615356.

Allele frequency attached by ClinVar (database versions not stated): gnomAD exomes below 0.00001.
gnomAD v4.1: 1 of 1,613,982 alleles (0.000062%); highest among the groups gnomAD compares: South Asian, 0.0011%; no homozygotes.

Submission:

Labcorp Genetics (formerly Invitae), Labcorp
Classification: Uncertain significance for Autosomal recessive limb-girdle muscular dystrophy type R18. Last evaluated: 2022-08-16. Review status: criteria provided, single submitter. Criteria: Invitae Variant Classification Sherloc (09022015). Collection method: clinical testing. Allele origin: germline.
Comment: This sequence change replaces isoleucine, which is neutral and non-polar, with lysine, which is basic and polar, at codon 539 of the TRAPPC11 protein (p.Ile539Lys). This variant is not present in population databases (gnomAD no frequency). This variant has not been reported in the literature in individuals affected with TRAPPC11-related conditions. ClinVar contains an entry for this variant (Variation ID: 541347). Algorithms developed to predict the effect of missense changes on protein structure and function are either unavailable or do not agree on the potential impact of this missense change (SIFT: "Deleterious"; PolyPhen-2: "Benign"; Align-GVGD: "Class C15"). In summary, the available evidence is currently insufficient to determine the role of this variant in disease. Therefore, it has been classified as a Variant of Uncertain Significance.

NM_021942.6(TRAPPC11):c.1616T>A (p.Ile539Lys)

Gene: TRAPPC11 (trafficking protein particle complex subunit 11; plus strand). Cytogenetic location: 4q35.1.
Variant type: single nucleotide variant.
Coding change: c.1616T>A on transcript NM_021942.6 (MANE Select); coding-DNA position 1616, T replaced by A.
Protein change: p.Ile539Lys; replaces isoleucine 539 with lysine.
Molecular consequence: missense variant.
Genome position (GRCh38, 1-based): chr4:183,685,132, T>A. VCF-style: chr4-183685132-T-A. GRCh37 (hg19) VCF-style: chr4-184606285-T-A.
Other names: c.1616T>A, p.Ile539Lys (NM_199053.3); short protein forms I539K.
Identifiers: ClinVar variation 541347 (VCV000541347.9), dbSNP rs1554008768, ClinGen allele CA358867958.